The following is an entry in ClinVar:

ClinVar aggregate classification (germline): Benign. Review status: criteria provided, multiple submitters, no conflicts (2 of 4 stars). 3 submissions from 3 submitters: Benign (2). 1 of the submissions does not count toward it. Last evaluated 2026-01-19.

Conditions:
ZNF143-related disorder. Also called: ZNF143-related condition.

Allele frequency attached by ClinVar (database versions not stated): gnomAD exomes 0.00112 and 0.00279; ExAC 0.00443; 1000 Genomes Project 0.00619; 1000 Genomes Project 30x 0.00718; gnomAD 0.00910 and 0.00990; TOPMed 0.01026; ESP Exome Variant Server 0.01116.
gnomAD v4.1: 3,086 of 1,602,376 alleles (0.19%); highest among the groups gnomAD compares: African/African-American, 3.1%; 47 homozygotes.

Submissions (3):

Labcorp Genetics (formerly Invitae), Labcorp
Classification: Benign. Last evaluated: 2026-01-19. Review status: criteria provided, single submitter. Criteria: Invitae Variant Classification Sherloc (09022015). Collection method: clinical testing. Allele origin: germline.

Mayo Clinic Laboratories, Mayo Clinic
Classification: Benign. Last evaluated: 2025-01-20. Review status: criteria provided, single submitter. Criteria: ACMG Guidelines, 2015. Collection method: clinical testing. Allele origin: germline. Observed: 2 variant alleles.
Comment: BS1, BS2, BP4, BP7

PreventionGenetics, part of Exact Sciences
Classification: Benign for ZNF143-related condition. Last evaluated: 2024-03-19. Review status: no assertion criteria provided. Collection method: clinical testing. Allele origin: germline. Not counted in ClinVar's aggregate classification.
Comment: This variant is classified as benign based on ACMG/AMP sequence variant interpretation guidelines (Richards et al. 2015 PMID: 25741868, with internal and published modifications).

NM_003442.6(ZNF143):c.1686+8C>G

Gene: ZNF143 (zinc finger protein 143; plus strand). Cytogenetic location: 11p15.4.
Variant type: single nucleotide variant.
Coding change: c.1686+8C>G on transcript NM_003442.6 (MANE Select); 8 bases into the intron after coding-DNA position 1686, C replaced by G.
Molecular consequence: intron variant.
Genome position (GRCh38, 1-based): chr11:9,516,370, C>G. VCF-style: chr11-9516370-C-G. GRCh37 (hg19) VCF-style: chr11-9537917-C-G.
Other names: p.?; c.1683+8C>G (NM_001282656.2); c.1593+8C>G (NM_001282657.2); c.1686+8C>G (NM_003442.5).
Identifiers: ClinVar variation 1530721 (VCV001530721.11), dbSNP rs77261041, ClinGen allele CA5879703.